The following is an entry in ClinVar:

ClinVar aggregate classification (germline): Likely pathogenic. Review status: criteria provided, single submitter (1 of 4 stars). 2 submissions from 2 submitters: Likely pathogenic (1). 1 of the submissions does not count toward it. Last evaluated 2019-01-10.

Conditions:
Nephrotic syndrome, type 11 (NPHS11). Identifiers: Orphanet 656, MedGen C4225228, MONDO:0014752, OMIM 616730.

Submissions (2):

SIB Swiss Institute of Bioinformatics
Classification: Likely pathogenic for Nephrotic syndrome, type 11. Last evaluated: 2019-01-10. Review status: criteria provided, single submitter. Criteria: ACMG Guidelines, 2015. Collection method: curation. Allele origin: unknown.
Comment: This variant is interpreted as a Likely pathogenic for Nephrotic syndrome 11, autosomal recessive. The following ACMG Tag(s) were applied: PM2 => Absent from controls (or at extremely low frequency if recessive) in Exome Sequencing Project, 1000 Genomes Project, or Exome Aggregation Consortium. PS3 => Well-established functional studies show a deleterious effect (PMID:30179222). PP3 => Multiple lines of computational evidence support a deleterious effect on the gene or gene product.

ClinGen:CA385699860

OMIM
Classification: Pathogenic for NEPHROTIC SYNDROME, TYPE 11. Last evaluated: 2019-03-11. Review status: no assertion criteria provided. Collection method: literature only. Allele origin: germline. Not counted in ClinVar's aggregate classification.

Literature cited by the submitters: PubMed 30179222 (cited by SIB Swiss Institute of Bioinformatics and OMIM).

NM_020401.4(NUP107):c.2666A>G (p.Tyr889Cys)

Gene: NUP107 (nucleoporin 107; plus strand). Cytogenetic location: 12q15.
Variant type: single nucleotide variant.
Coding change: c.2666A>G on transcript NM_020401.4 (MANE Select); coding-DNA position 2666, A replaced by G.
Protein change: p.Tyr889Cys; replaces tyrosine 889 with cysteine.
Molecular consequence: missense variant.
Genome position (GRCh38, 1-based): chr12:68,741,976, A>G. VCF-style: chr12-68741976-A-G. GRCh37 (hg19) VCF-style: chr12-69135756-A-G.
Other names: c.2579A>G, p.Tyr860Cys (NM_001330192.2); short protein forms Y889C, Y860C.
Identifiers: ClinVar variation 590324 (VCV000590324.3), dbSNP rs1565707103, ClinGen allele CA385699860.
Genomic context (GRCh38, chr12:68,741,976, plus strand): 5'-GTCAGTATCAGGAATGCCTACAGTTAGCAGATATGGTATCCTCTGAGCGCCACAAACTGT[A>G]CCTGGTAAGTTCTAGAGCCTTGTAGTTTTAAATTTTAATGATTTGATATGCTCTGTAGTA-3'
Protein context (NP_065134.1, residues 879-899): DMVSSERHKL[Tyr889Cys]LVFSKEELRK